The following is an entry in ClinVar:

NM_001040142.2(SCN2A):c.5992_5999dup (p.Arg2001fs)

Gene: SCN2A (sodium voltage-gated channel alpha subunit 2; plus strand). Cytogenetic location: 2q24.3.
Variant type: Duplication.
Coding change: c.5992_5999dup on transcript NM_001040142.2 (MANE Select); coding-DNA positions 5992 to 5999, 8 bases duplicated (AAAGATAT; older notation c.5992_5999dupAAAGATAT).
Protein change: p.Arg2001fs; shifts the reading frame from arginine 2001.
Molecular consequence: frameshift variant.
Genome position (GRCh38, 1-based): chr2:165,389,798-165,389,805, AAAGATAT duplicated. VCF-style (leftmost placement, unchanged base first): chr2-165389797-G-GAAAGATAT. GRCh37 (hg19) VCF-style: chr2-166246307-G-GAAAGATAT.
Other names: c.5992_5999dup, p.Arg2001fs (NM_001040143.2, NM_001371246.1, NM_001371247.1 and 1 more transcripts); short protein forms R2001fs.
Identifiers: ClinVar variation 3754789 (VCV003754789.2).

ClinVar aggregate classification (germline): Uncertain significance (1 of 4 stars; one submission).

Conditions:
Developmental and epileptic encephalopathy, 11 (DEE11). Also called: Early infantile epileptic encephalopathy 11. Identifiers: Orphanet 1934, MedGen C3150987, MONDO:0013388, OMIM 613721.
Seizures, benign familial infantile, 3 (BFIS3). Also called: CONVULSIONS, BENIGN FAMILIAL INFANTILE, 3; Familial neonatal seizures. Identifiers: Orphanet 140927, Orphanet 306, MedGen C1843140, MONDO:0011904, OMIM 607745.

Submission:

Labcorp Genetics (formerly Invitae), Labcorp
Classification: Uncertain significance for Seizures, benign familial infantile, 3; Developmental and epileptic encephalopathy, 11. Last evaluated: 2024-09-05. Review status: criteria provided, single submitter. Criteria: Invitae Variant Classification Sherloc (09022015). Collection method: clinical testing. Allele origin: germline.
Comment: This sequence change results in a frameshift in the SCN2A gene (p.Arg2001Lysfs*43). While this is not anticipated to result in nonsense mediated decay, it is expected to disrupt the last 5 amino acid(s) of the SCN2A protein and extend the protein by 37 additional amino acid residues. This variant is not present in population databases (gnomAD no frequency). This variant has not been reported in the literature in individuals affected with SCN2A-related conditions. Experimental studies and prediction algorithms are not available or were not evaluated, and the functional significance of this variant is currently unknown. In summary, the available evidence is currently insufficient to determine the role of this variant in disease. Therefore, it has been classified as a Variant of Uncertain Significance.